The following is an entry in ClinVar:

ClinVar aggregate classification (germline): Uncertain significance (0 of 4 stars; one submission).

Conditions:
GNAS-related disorder. Identifiers: MedGen CN380105.

Submission:

PreventionGenetics, part of Exact Sciences
Classification: Uncertain significance for GNAS-related condition. Last evaluated: 2024-05-28. Review status: no assertion criteria provided. Collection method: clinical testing. Allele origin: germline.
Comment: The GNAS c.463T>G variant is predicted to result in the amino acid substitution p.Phe155Val. To our knowledge, this variant has not been reported in the literature or in a large population database, indicating this variant is rare. At this time, the clinical significance of this variant is uncertain due to the absence of conclusive functional and genetic evidence.

NM_016592.5(GNAS):c.463T>G (p.Phe155Val)

Genes: GNAS (GNAS complex locus; plus strand), GNAS-AS1 (GNAS antisense RNA 1; minus strand). Cytogenetic location: 20q13.32.
Variant type: single nucleotide variant.
Coding change: c.463T>G on transcript NM_016592.5 (MANE Plus Clinical); coding-DNA position 463, T replaced by G.
Protein change: p.Phe155Val; replaces phenylalanine 155 with valine.
Molecular consequence: missense variant. On other transcripts: 5 prime UTR variant (1).
Genome position (GRCh38, 1-based): chr20:58,840,569, T>G. VCF-style: chr20-58840569-T-G. GRCh37 (hg19) VCF-style: chr20-57415624-T-G.
Other names: c.-275T>G (NM_001410912.1); short protein forms F155V.
Identifiers: ClinVar variation 3353165 (VCV003353165.1).